The following is an entry in ClinVar:

NM_003742.4(ABCB11):c.3332T>C (p.Phe1111Ser)

Gene: ABCB11 (ATP binding cassette subfamily B member 11; minus strand). Cytogenetic location: 2q31.1.
Variant type: single nucleotide variant.
Coding change: c.3332T>C on transcript NM_003742.4 (MANE Select); coding-DNA position 3332, T replaced by C.
Protein change: p.Phe1111Ser; replaces phenylalanine 1111 with serine.
Molecular consequence: missense variant.
Genome position (GRCh38, 1-based): chr2:168,930,744, A>G on the plus strand (T>C on the coding strand, the complement: ABCB11 is on the minus strand). VCF-style: chr2-168930744-A-G. GRCh37 (hg19) VCF-style: chr2-169787254-A-G.
Other names: short protein forms F1111S.
Identifiers: ClinVar variation 4845993 (VCV004845993.1).

ClinVar aggregate classification (germline): Uncertain significance (1 of 4 stars; one submission).

Conditions:
Familial intrahepatic cholestasis. Identifiers: Orphanet 284385, MedGen CN296401, MONDO:0017290.

Submission:

Genomenon, Inc
Classification: Uncertain significance for Familial intrahepatic cholestasis. Last evaluated: 2026-04-14. Review status: criteria provided, single submitter. Criteria: Genomenon Sequence Variant Interpretation Standards - Updated. Collection method: curation. Allele origin: germline. Affected: no.
Comment: ABCB11 p.Phe1111Ser (c.3332T>C) is a missense variant that changes the amino acid at residue 1111 from Phenylalanine to Serine. This variant has been reported in the published literature (PMID:24702956). It is absent or not present at a significant frequency in gnomAD. In silico models predict that this variant is possibly or probably damaging. In conclusion, we classify ABCB11 p.Phe1111Ser (c.3332T>C) as a variant of uncertain significance.

Literature cited by the submitters: PubMed 24702956.